The following is an entry in ClinVar:

NM_001114753.3(ENG):c.1071_1080dup (p.Thr361fs)

Gene: ENG (endoglin; minus strand). Cytogenetic location: 9q34.11.
Variant type: Duplication.
Coding change: c.1071_1080dup on transcript NM_001114753.3 (MANE Select); coding-DNA positions 1071 to 1080, 10 bases duplicated (CTTGATCCAG; older notation c.1071_1080dupCTTGATCCAG).
Protein change: p.Thr361fs; shifts the reading frame from threonine 361.
Molecular consequence: frameshift variant.
Genome position (GRCh38, 1-based): chr9:127,824,358-127,824,367, CTGGATCAAG duplicated on the plus strand (CTTGATCCAG on the coding strand, the reverse complement: ENG is on the minus strand). VCF-style (leftmost placement, unchanged base first): chr9-127824357-T-TCTGGATCAAG. GRCh37 (hg19) VCF-style: chr9-130586636-T-TCTGGATCAAG.
Other names: c.1071_1080dup, p.Thr361Leufs (NM_000118.4, NM_001406715.1); c.525_534dup, p.Thr179fs (NM_001278138.2); short protein forms T179fs, T361fs.
Identifiers: ClinVar variation 1783373 (VCV001783373.3), dbSNP rs2539070978, ClinGen allele CA2580079624.

ClinVar aggregate classification (germline): Pathogenic. Review status: criteria provided, multiple submitters, no conflicts (2 of 4 stars). 2 submissions from 2 submitters: Pathogenic (2). Last evaluated 2025-04-21.

Conditions:
Cardiovascular phenotype. Identifiers: MedGen CN230736.
Hereditary hemorrhagic telangiectasia (HHT). Also called: ORW DISEASE; Osler Weber Rendu syndrome; OSLER-RENDU-WEBER DISEASE; Osler hemorrhagic telangiectasia syndrome. Identifiers: Orphanet 774, MedGen C0039445, MONDO:0019180. Disease mechanism: loss of function.

Submissions (2):

Labcorp Genetics (formerly Invitae), Labcorp
Classification: Pathogenic for Hereditary hemorrhagic telangiectasia. Last evaluated: 2025-04-21. Review status: criteria provided, single submitter. Criteria: Invitae Variant Classification Sherloc (09022015). Collection method: clinical testing. Allele origin: germline.
Comment: This sequence change creates a premature translational stop signal (p.Thr361Leufs*38) in the ENG gene. It is expected to result in an absent or disrupted protein product. Loss-of-function variants in ENG are known to be pathogenic (PMID: 15879500). This variant is not present in population databases (gnomAD no frequency). This variant has not been reported in the literature in individuals affected with ENG-related conditions. ClinVar contains an entry for this variant (Variation ID: 1783373). For these reasons, this variant has been classified as Pathogenic.

Ambry Genetics
Classification: Pathogenic for Cardiovascular phenotype. Last evaluated: 2021-08-23. Review status: criteria provided, single submitter. Criteria: Ambry Variant Classification Scheme 2023. Collection method: clinical testing. Allele origin: germline.
Comment: The c.1071_1080dup10 pathogenic mutation, located in coding exon 8 of the ENG gene, results from a duplication of CTTGATCCAG at nucleotide position 1071, causing a translational frameshift with a predicted alternate stop codon (p.T361Lfs*38). This variant is considered to be rare based on population cohorts in the Genome Aggregation Database (gnomAD). In addition, this alteration is expected to result in loss of function by premature protein truncation or nonsense-mediated mRNA decay. As such, this alteration is interpreted as a disease-causing mutation.

Literature cited by the submitters: PubMed 15879500 (cited by Labcorp Genetics (formerly Invitae), Labcorp).